The following is an entry in ClinVar:

NM_138387.4(G6PC3):c.419G>A (p.Arg140His)

Gene: G6PC3 (glucose-6-phosphatase catalytic subunit 3; plus strand). Cytogenetic location: 17q21.31.
Variant type: single nucleotide variant.
Coding change: c.419G>A on transcript NM_138387.4 (MANE Select); coding-DNA position 419, G replaced by A.
Protein change: p.Arg140His; replaces arginine 140 with histidine.
Molecular consequence: missense variant. On other transcripts: intron variant (1).
Genome position (GRCh38, 1-based): chr17:44,074,971, G>A. VCF-style: chr17-44074971-G-A. GRCh37 (hg19) VCF-style: chr17-42152339-G-A.
Other names: c.74G>A, p.Arg25His (NM_001384165.1, NM_001384166.1, NM_001384167.1 and 1 more transcripts); c.416+201G>A (NM_001319945.2); short protein forms R140H, R25H.
Identifiers: ClinVar variation 537188 (VCV000537188.10), dbSNP rs989437299, ClinGen allele CA290850616.

ClinVar aggregate classification (germline): Uncertain significance. Review status: criteria provided, multiple submitters, no conflicts (2 of 4 stars). 2 submissions from 2 submitters: Uncertain significance (2). Last evaluated 2025-01-21.

Conditions:
Inborn genetic diseases. Identifiers: MedGen C0950123, MeSH D030342.
Autosomal recessive severe congenital neutropenia due to G6PC3 deficiency. Also called: NEUTROPENIA, SEVERE CONGENITAL, 4, AUTOSOMAL RECESSIVE; G6PC3 Deficiency. Identifiers: Orphanet 331176, MedGen C2751630, MONDO:0012930, OMIM 612541.

Allele frequency attached by ClinVar (database versions not stated): TOPMed 0.00002.

Submissions (2):

Ambry Genetics
Classification: Uncertain significance for Inborn genetic diseases. Last evaluated: 2025-01-21. Review status: criteria provided, single submitter. Criteria: Ambry Variant Classification Scheme 2023. Collection method: clinical testing. Allele origin: germline.

Labcorp Genetics (formerly Invitae), Labcorp
Classification: Uncertain significance for Autosomal recessive severe congenital neutropenia due to G6PC3 deficiency. Last evaluated: 2021-09-01. Review status: criteria provided, single submitter. Criteria: Invitae Variant Classification Sherloc (09022015). Collection method: clinical testing. Allele origin: germline.
Comment: This sequence change replaces arginine with histidine at codon 140 of the G6PC3 protein (p.Arg140His). The arginine residue is weakly conserved and there is a small physicochemical difference between arginine and histidine. This variant is not present in population databases (ExAC no frequency). This variant has not been reported in the literature in individuals affected with G6PC3-related conditions. Algorithms developed to predict the effect of missense changes on protein structure and function output the following: SIFT: "Tolerated"; PolyPhen-2: "Benign"; Align-GVGD: "Class C0". The histidine amino acid residue is found in multiple mammalian species, which suggests that this missense change does not adversely affect protein function. In summary, the available evidence is currently insufficient to determine the role of this variant in disease. Therefore, it has been classified as a Variant of Uncertain Significance.